The following is an entry in ClinVar:

ClinVar aggregate classification (germline): Likely benign. Review status: criteria provided, multiple submitters, no conflicts (2 of 4 stars). 2 submissions from 2 submitters: Likely benign (2). Last evaluated 2026-06-02.

Conditions:
Gastrointestinal stromal tumor. Also called: Gastrointestinal stroma tumor; Gastrointestinal stromal tumor, somatic. Identifiers: Orphanet 44890, MedGen C0238198, MeSH D046152, MONDO:0011719, OMIM 606764, HP:0100723.

Submissions (2):

Myriad Genetics, Inc.
Classification: Likely benign for Gastrointestinal stromal tumor. Last evaluated: 2026-06-02. Review status: criteria provided, single submitter. Criteria: Myriad Autosomal Dominant, Autosomal Recessive and X-Linked Classification Criteria (2023). Collection method: clinical testing. Allele origin: unknown.
Comment: This variant is considered likely benign. This variant is intronic and is not expected to impact mRNA splicing.

Labcorp Genetics (formerly Invitae), Labcorp
Classification: Likely benign for Gastrointestinal stromal tumor. Last evaluated: 2024-09-24. Review status: criteria provided, single submitter. Criteria: Invitae Variant Classification Sherloc (09022015). Collection method: clinical testing. Allele origin: germline.

NM_000222.3(KIT):c.2802+7A>G

Gene: KIT (KIT proto-oncogene, receptor tyrosine kinase; plus strand). Cytogenetic location: 4q12.
Variant type: single nucleotide variant.
Coding change: c.2802+7A>G on transcript NM_000222.3 (MANE Select); 7 bases into the intron after coding-DNA position 2802, A replaced by G.
Molecular consequence: intron variant.
Genome position (GRCh38, 1-based): chr4:54,737,287, A>G. VCF-style: chr4-54737287-A-G. GRCh37 (hg19) VCF-style: chr4-55603453-A-G.
Other names: c.2805+7A>G (NM_001385284.1); c.2802+7A>G (NM_001385290.1); c.2793+7A>G (NM_001385288.1); c.2790+7A>G (NM_001385292.1, NM_001093772.2); c.2799+7A>G (NM_001385285.1); c.2787+7A>G (NM_001385286.1).
Identifiers: ClinVar variation 2158467 (VCV002158467.5), dbSNP rs2475585843, ClinGen allele CA2580071157.